The following is an entry in ClinVar:

NM_001369.3(DNAH5):c.5827C>T (p.Gln1943Ter)

Gene: DNAH5 (dynein axonemal heavy chain 5; minus strand). Cytogenetic location: 5p15.2.
Variant type: single nucleotide variant.
Coding change: c.5827C>T on transcript NM_001369.3 (MANE Select); coding-DNA position 5827, C replaced by T.
Protein change: p.Gln1943Ter; replaces glutamine 1943 with a stop codon.
Molecular consequence: nonsense.
Genome position (GRCh38, 1-based): chr5:13,839,411, G>A on the plus strand (C>T on the coding strand, the complement: DNAH5 is on the minus strand). VCF-style: chr5-13839411-G-A. GRCh37 (hg19) VCF-style: chr5-13839520-G-A.
Other names: short protein forms Q1943*.
Identifiers: ClinVar variation 1439363 (VCV001439363.6), dbSNP rs2151857133, ClinGen allele CA359206459.

ClinVar aggregate classification (germline): Pathogenic (1 of 4 stars; one submission).

Conditions:
Primary ciliary dyskinesia. Also called: Ciliary dyskinesia. Identifiers: Orphanet 244, MedGen C0008780, MONDO:0016575, HP:0012265.

Submission:

Labcorp Genetics (formerly Invitae), Labcorp
Classification: Pathogenic for Primary ciliary dyskinesia. Last evaluated: 2020-11-21. Review status: criteria provided, single submitter. Criteria: Invitae Variant Classification Sherloc (09022015). Collection method: clinical testing. Allele origin: germline.
Comment: For these reasons, this variant has been classified as Pathogenic. This variant has not been reported in the literature in individuals with DNAH5-related conditions. This variant is not present in population databases (ExAC no frequency). This sequence change creates a premature translational stop signal (p.Gln1943*) in the DNAH5 gene. It is expected to result in an absent or disrupted protein product. Loss-of-function variants in DNAH5 are known to be pathogenic (PMID: 11788826, 16627867).

Literature cited by the submitters: PubMed 11788826; PubMed 16627867.